The following is an entry in ClinVar:

ClinVar aggregate classification (germline): Benign (0 of 4 stars; one submission).

Conditions:
ROBO1-related disorder. Also called: ROBO1-related condition.

Submission:

PreventionGenetics, part of Exact Sciences
Classification: Benign for ROBO1-related condition. Last evaluated: 2019-09-20. Review status: no assertion criteria provided. Collection method: clinical testing. Allele origin: germline.
Comment: This variant is classified as benign based on ACMG/AMP sequence variant interpretation guidelines (Richards et al. 2015 PMID: 25741868, with internal and published modifications).

NM_002941.4(ROBO1):c.4283-9del

Gene: ROBO1 (roundabout guidance receptor 1; minus strand). Cytogenetic location: 3p12.3.
Variant type: Deletion.
Coding change: c.4283-9del on transcript NM_002941.4 (MANE Select); 9 bases into the intron before coding-DNA position 4283, one base deleted (T; older notation c.4283-9delT).
Molecular consequence: intron variant.
Genome position (GRCh38, 1-based): chr3:78,614,809, A deleted on the plus strand (T on the coding strand, the reverse complement: ROBO1 is on the minus strand); the first of 14 consecutive A bases (chr3:78,614,809-78,614,822); deleting any one gives the same sequence. VCF-style (leftmost placement, unchanged base first): chr3-78614808-GA-G. GRCh37 (hg19) VCF-style: chr3-78663958-GA-G.
Other names: c.3983-9del (NM_001145845.2); c.4148-9del (NM_133631.4).
Identifiers: ClinVar variation 3060579 (VCV003060579.2), dbSNP rs748984685, ClinGen allele CA2498129.